The following is an entry in ClinVar:

NC_000006.11:g.(?_80982832)_(81053521_?)del

Gene: BCKDHB (branched chain keto acid dehydrogenase E1 subunit beta; plus strand). Cytogenetic location: 6q14.1.
Variant type: Deletion.
Identifiers: ClinVar variation 3245955 (VCV003245955.1).

ClinVar aggregate classification (germline): Pathogenic (1 of 4 stars; one submission).

Conditions:
Maple syrup urine disease (MSUD). Identifiers: Orphanet 511, MedGen C0024776, MeSH D008375, MONDO:0009563. Disease mechanism: loss of function.

Submission:

Labcorp Genetics (formerly Invitae), Labcorp
Classification: Pathogenic for Maple syrup urine disease. Last evaluated: 2023-11-05. Review status: criteria provided, single submitter. Criteria: Invitae Variant Classification Sherloc (09022015). Collection method: clinical testing. Allele origin: unknown.
Comment: This variant is a gross deletion of the genomic region encompassing exon(s) 9-10 of the BCKDHB gene, which includes the termination codon. This deletion extends beyond the assayed region for this gene and therefore may encompass additional genes. While this deletion is not anticipated to lead to nonsense mediated decay, it is expected to alter mRNA translation or result in a truncated protein product. This variant has not been reported in the literature in individuals affected with BCKDHB-related conditions. This variant disrupts a region of the BCKDHB protein in which other variant(s) (p.Ser339Leu) have been determined to be pathogenic (PMID: 11448970, 22593002, 30228974; Invitae). This suggests that this is a clinically significant region of the protein, and that variants that disrupt it are likely to be disease-causing. For these reasons, this variant has been classified as Pathogenic.

Literature cited by the submitters: PubMed 11448970; PubMed 22593002; PubMed 30228974.